The following is an entry in ClinVar:

NC_000023.11:g.(?_31836708)_(31968524_?)del

Genes: DMD (dystrophin; minus strand), LOC129391296 (MPRA-validated peak7373 silencer; plus strand). Cytogenetic location: Xp21.1.
Variant type: Deletion.
Identifiers: ClinVar variation 665639 (VCV000665639.2).

ClinVar aggregate classification (germline): Pathogenic (1 of 4 stars; one submission).

Conditions:
Duchenne muscular dystrophy (DMD). Also called: MUSCULAR DYSTROPHY, PSEUDOHYPERTROPHIC PROGRESSIVE, DUCHENNE TYPE; Duchenne Muscular Dystrophy (DMD). Identifiers: Orphanet 98896, MedGen C0013264, MONDO:0010679, OMIM 310200.

Submission:

Labcorp Genetics (formerly Invitae), Labcorp
Classification: Pathogenic for Duchenne muscular dystrophy. Last evaluated: 2019-11-01. Review status: criteria provided, single submitter. Criteria: Invitae Variant Classification Sherloc (09022015). Collection method: clinical testing. Allele origin: germline.
Comment: This variant is an in-frame deletion of the genomic region encompassing exons 45-49 of the DMD gene. It preserves the integrity of the reading frame. Deletion of exons 45-49 has been reported in several individuals affected with Becker or Duchenne muscular dystrophy (PMID: 2063877, 18752307, 9007319, 22090376). For these reasons, this variant has been classified as Pathogenic.

Literature cited by the submitters: PubMed 18752307; PubMed 2063877; PubMed 9007319; PubMed 22090376.